The following is an entry in ClinVar:

ClinVar aggregate classification (germline): Uncertain significance (1 of 4 stars; one submission).

Conditions:
Joubert syndrome. Also called: CEREBELLOPARENCHYMAL DISORDER IV; JOUBERT-BOLTSHAUSER SYNDROME; Familial aplasia of the vermis. Identifiers: Orphanet 475, MedGen C5979921, MONDO:0018772.
Orofaciodigital syndrome I (OFD1). Also called: OFDS I; Papillon-Leage and Psaume Syndrome; Oral-Facial-Digital Syndrome Type I. Identifiers: Orphanet 2750, MedGen C1510460, MONDO:0010702, OMIM 311200.

Submission:

Labcorp Genetics (formerly Invitae), Labcorp
Classification: Uncertain significance for Orofaciodigital syndrome I; Joubert syndrome. Last evaluated: 2023-04-17. Review status: criteria provided, single submitter. Criteria: Invitae Variant Classification Sherloc (09022015). Collection method: clinical testing. Allele origin: germline.
Comment: An algorithm developed to predict the effect of missense changes on protein structure and function (PolyPhen-2) suggests that this variant is likely to be disruptive. This sequence change replaces isoleucine, which is neutral and non-polar, with serine, which is neutral and polar, at codon 515 of the OFD1 protein (p.Ile515Ser). This variant is not present in population databases (gnomAD no frequency). This variant has not been reported in the literature in individuals affected with OFD1-related conditions. In summary, the available evidence is currently insufficient to determine the role of this variant in disease. Therefore, it has been classified as a Variant of Uncertain Significance.

NM_003611.3(OFD1):c.1544T>G (p.Ile515Ser)

Gene: OFD1 (OFD1 centriole and centriolar satellite protein; plus strand). Cytogenetic location: Xp22.2.
Variant type: single nucleotide variant.
Coding change: c.1544T>G on transcript NM_003611.3 (MANE Select); coding-DNA position 1544, T replaced by G.
Protein change: p.Ile515Ser; replaces isoleucine 515 with serine.
Molecular consequence: missense variant.
Genome position (GRCh38, 1-based): chrX:13,758,338, T>G. VCF-style: chrX-13758338-T-G. GRCh37 (hg19) VCF-style: chrX-13776457-T-G.
Other names: c.1424T>G, p.Ile475Ser (NM_001330209.2); c.1124T>G, p.Ile375Ser (NM_001330210.2); short protein forms I375S, I475S, I515S.
Identifiers: ClinVar variation 2937219 (VCV002937219.3), dbSNP rs2518923997, ClinGen allele CA412343274.